The following is an entry in ClinVar:

NM_001267727.2(ARSG):c.835C>G (p.Leu279Val)

Gene: ARSG (arylsulfatase G; plus strand). Cytogenetic location: 17q24.2.
Variant type: single nucleotide variant.
Coding change: c.835C>G on transcript NM_001267727.2 (MANE Select); coding-DNA position 835, C replaced by G.
Protein change: p.Leu279Val; replaces leucine 279 with valine.
Molecular consequence: missense variant.
Genome position (GRCh38, 1-based): chr17:68,368,678, C>G. VCF-style: chr17-68368678-C-G. GRCh37 (hg19) VCF-style: chr17-66364819-C-G.
Other names: c.835C>G, p.Leu279Val (NM_001352899.2, NM_001352900.2, NM_001352901.2 and 3 more transcripts); c.832C>G, p.Leu278Val (NM_001352903.2, NM_001352904.2, NM_001352905.2 and 2 more transcripts); c.787C>G, p.Leu263Val (NM_001352909.2); c.835C>G (NM_014960.4); short protein forms L263V, L278V, L279V.
Identifiers: ClinVar variation 1090682 (VCV001090682.9), dbSNP rs144673801, ClinGen allele CA8728373.

ClinVar aggregate classification (germline): Likely benign. Review status: criteria provided, multiple submitters, no conflicts (2 of 4 stars). 3 submissions from 3 submitters: Likely benign (2). 1 of the submissions does not count toward it. Last evaluated 2026-01-20.

Conditions:
ARSG-related disorder. Also called: ARSG-related condition.

Allele frequency attached by ClinVar (database versions not stated): gnomAD exomes 0.00006 and 0.00020; ExAC 0.00029; gnomAD 0.00082 and 0.00092; 1000 Genomes Project 0.00100; ESP Exome Variant Server 0.00100; 1000 Genomes Project 30x 0.00109.
gnomAD v4.1: 212 of 1,614,122 alleles (0.013%); highest among the groups gnomAD compares: African/African-American, 0.27%; no homozygotes.

Submissions (3):

Labcorp Genetics (formerly Invitae), Labcorp
Classification: Likely benign. Last evaluated: 2026-01-20. Review status: criteria provided, single submitter. Criteria: Invitae Variant Classification Sherloc (09022015). Collection method: clinical testing. Allele origin: germline.

Blueprint Genetics
Classification: Likely benign. Last evaluated: 2024-03-12. Review status: criteria provided, single submitter. Criteria: ACMG Guidelines, 2015. Collection method: clinical testing. Allele origin: germline.

PreventionGenetics, part of Exact Sciences
Classification: Likely benign for ARSG-related condition. Last evaluated: 2024-04-04. Review status: no assertion criteria provided. Collection method: clinical testing. Allele origin: germline. Not counted in ClinVar's aggregate classification.
Comment: This variant is classified as likely benign based on ACMG/AMP sequence variant interpretation guidelines (Richards et al. 2015 PMID: 25741868, with internal and published modifications).